The following is an entry in ClinVar:

ClinVar aggregate classification (germline): Uncertain significance (1 of 4 stars; one submission).

Conditions:
PDE4D-related disorder. Also called: PDE4D-related condition.

Submission:

PreventionGenetics, part of Exact Sciences
Classification: Uncertain significance for PDE4D-related condition. Last evaluated: 2022-08-18. Review status: criteria provided, single submitter. Criteria: ACMG Guidelines, 2015. Collection method: clinical testing. Allele origin: germline.
Comment: The PDE4D c.1968A>G variant is predicted to result in the amino acid substitution p.Ile656Met. To our knowledge, this variant has not been reported in the literature or in a large population database, indicating this variant is rare. At this time, the clinical significance of this variant is uncertain due to the absence of conclusive functional and genetic evidence.

NM_001104631.2(PDE4D):c.1968A>G (p.Ile656Met)

Gene: PDE4D (phosphodiesterase 4D; minus strand). Cytogenetic location: 5q11.2.
Variant type: single nucleotide variant.
Coding change: c.1968A>G on transcript NM_001104631.2 (MANE Select); coding-DNA position 1968, A replaced by G.
Protein change: p.Ile656Met; replaces isoleucine 656 with methionine.
Molecular consequence: missense variant.
Genome position (GRCh38, 1-based): chr5:58,975,702, T>C on the plus strand (A>G on the coding strand, the complement: PDE4D is on the minus strand). VCF-style: chr5-58975702-T-C. GRCh37 (hg19) VCF-style: chr5-58271529-T-C.
Other names: c.1785A>G, p.Ile595Met (NM_001165899.2, NM_001364599.1); c.1776A>G, p.Ile592Met (NM_001197218.2); c.1602A>G, p.Ile534Met (NM_001197219.2); c.1578A>G, p.Ile526Met (NM_001197220.2); c.1062A>G, p.Ile354Met (NM_001197221.2, NM_001364603.1); c.1296A>G, p.Ile432Met (NM_001197222.2); c.1095A>G, p.Ile365Met (NM_001197223.2); c.1755A>G, p.Ile585Met (NM_001349241.2); and 3 more; short protein forms I354M, I365M, I400M, I432M, I520M, I526M, I534M, I546M.
Identifiers: ClinVar variation 2636439 (VCV002636439.1), dbSNP rs2479161993, ClinGen allele CA359813870.